The following is an entry in ClinVar:

NM_017773.4(LAX1):c.804T>C (p.Tyr268=)

Gene: LAX1 (lymphocyte transmembrane adaptor 1; plus strand). Cytogenetic location: 1q32.1.
Variant type: single nucleotide variant.
Coding change: c.804T>C on transcript NM_017773.4 (MANE Select); coding-DNA position 804, T replaced by C.
Protein change: p.Tyr268=; no amino-acid change (tyrosine 268 retained).
Molecular consequence: synonymous variant.
Genome position (GRCh38, 1-based): chr1:203,774,288, T>C. VCF-style: chr1-203774288-T-C. GRCh37 (hg19) VCF-style: chr1-203743416-T-C.
Other names: c.756T>C, p.Tyr252= (NM_001136190.2); c.576T>C, p.Tyr192= (NM_001282878.1).
Identifiers: ClinVar variation 2639823 (VCV002639823.24), dbSNP rs767775239, ClinGen allele CA1342532.
Genomic context (GRCh38, chr1:203,774,288, plus strand): 5'-AGCTGAGGACAGTGATTCACTCAGCAATGGAGAAGGTTCTTCTCAGATCTCAAATGACTA[T>C]GTCAACATGACAGGGTTGGATCTCAGTGCCATCCAGGAAAGGCAGCTCTGGGTGGCTTTT-3'
Protein context (NP_060243.2, residues 258-278): GEGSSQISND[Tyr268=]VNMTGLDLSA

ClinVar aggregate classification (germline): Likely benign (1 of 4 stars; one submission).

Allele frequency attached by ClinVar (database versions not stated): gnomAD exomes 0.00001; ExAC 0.00002; TOPMed 0.00002; gnomAD 0.00003.
gnomAD v4.1: 27 of 1,614,092 alleles (0.0017%); highest among the groups gnomAD compares: Middle Eastern, 0.033%; no homozygotes.

Submission:

CeGaT Center for Human Genetics Tuebingen
Classification: Likely benign. Last evaluated: 2022-05-01. Review status: criteria provided, single submitter. Criteria: CeGaT Center For Human Genetics Tuebingen Variant Classification Criteria Version 2. Collection method: clinical testing. Allele origin: germline. Affected: yes. Observed: 1 variant allele.
Comment: LAX1: BP4, BP7